The following is an entry in ClinVar:

NM_000321.3(RB1):c.2614C>A (p.Leu872Met)

Gene: RB1 (RB transcriptional corepressor 1; plus strand). Cytogenetic location: 13q14.2.
Variant type: single nucleotide variant.
Coding change: c.2614C>A on transcript NM_000321.3 (MANE Select); coding-DNA position 2614, C replaced by A.
Protein change: p.Leu872Met; replaces leucine 872 with methionine.
Molecular consequence: missense variant.
Genome position (GRCh38, 1-based): chr13:48,476,794, C>A. VCF-style: chr13-48476794-C-A. GRCh37 (hg19) VCF-style: chr13-49050930-C-A.
Other names: c.2614C>A, p.Leu872Met (NM_001407165.1); c.64C>A, p.Leu22Met (NM_001407168.1); short protein forms L22M, L872M.
Identifiers: ClinVar variation 4775606 (VCV004775606.1).

ClinVar aggregate classification (germline): Uncertain significance (1 of 4 stars; one submission).

Conditions:
Retinoblastoma (RB1). Also called: RETINOBLASTOMA, SOMATIC. Identifiers: Orphanet 790, MedGen C0035335, MeSH D012175, MONDO:0008380, OMIM 180200, HP:0009919. Disease mechanism: loss of function. Inheritance: Both sporadic and heritable forms are tested..

Submission:

Labcorp Genetics (formerly Invitae), Labcorp
Classification: Uncertain significance for Retinoblastoma. Last evaluated: 2025-12-17. Review status: criteria provided, single submitter. Criteria: Invitae Variant Classification Sherloc (09022015). Collection method: clinical testing. Allele origin: germline.
Comment: This sequence change replaces leucine, which is neutral and non-polar, with methionine, which is neutral and non-polar, at codon 872 of the RB1 protein (p.Leu872Met). This variant is not present in population databases (gnomAD no frequency). This variant has not been reported in the literature in individuals affected with RB1-related conditions. Invitae Evidence Modeling of protein sequence and biophysical properties (such as structural, functional, and spatial information, amino acid conservation, physicochemical variation, residue mobility, and thermodynamic stability) indicates that this missense variant is expected to disrupt RB1 protein function with a positive predictive value of 80%. In summary, the available evidence is currently insufficient to determine the role of this variant in disease. Therefore, it has been classified as a Variant of Uncertain Significance.